The following is an entry in ClinVar:

NM_001042492.3(NF1):c.3197+3A>G

Gene: NF1 (neurofibromin 1; plus strand). Cytogenetic location: 17q11.2.
Variant type: single nucleotide variant.
Coding change: c.3197+3A>G on transcript NM_001042492.3 (MANE Select); 3 bases into the intron after coding-DNA position 3197, A replaced by G.
Molecular consequence: intron variant.
Genome position (GRCh38, 1-based): chr17:31,230,928, A>G. VCF-style: chr17-31230928-A-G. GRCh37 (hg19) VCF-style: chr17-29557946-A-G.
Other names: c.3197+3A>G (NM_000267.4).
Identifiers: ClinVar variation 484108 (VCV000484108.30), dbSNP rs1359512152, ClinGen allele CA658656570.

ClinVar aggregate classification (germline): Uncertain significance. Review status: criteria provided, multiple submitters, no conflicts (2 of 4 stars). 7 submissions from 7 submitters: Uncertain significance (7). Last evaluated 2025-03-29.

Conditions:
Neurofibromatosis, type 1 (NF1). Also called: NEUROFIBROMATOSIS, TYPE I, SOMATIC; Neurofibromatosis, type I; Peripheral type neurofibromatosis; VON RECKLINGHAUSEN DISEASE. Identifiers: Orphanet 636, MedGen C0027831, MONDO:0018975, OMIM 162200. Disease mechanism: loss of function.
Hereditary cancer-predisposing syndrome. Also called: Hereditary neoplastic syndrome; Tumor predisposition; Neoplastic Syndromes, Hereditary; Hereditary Cancer Syndrome. Identifiers: Orphanet 140162, MedGen C0027672, MeSH D009386, MONDO:0015356.
Cardiovascular phenotype. Identifiers: MedGen CN230736.
Juvenile myelomonocytic leukemia (JMML). Also called: LEUKEMIA, JUVENILE MYELOMONOCYTIC, SOMATIC. Identifiers: Orphanet 86834, MedGen C0349639, MONDO:0011908, OMIM 607785, HP:0012209.
Neurofibromatosis-Noonan syndrome (NFNS). Also called: NEUROFIBROMATOSIS WITH NOONAN PHENOTYPE. Identifiers: Orphanet 638, MedGen C2931482, MONDO:0011035, OMIM 601321. Disease mechanism: loss of function.
Café-au-lait macules with pulmonary stenosis (WTSN). Also called: PULMONIC STENOSIS WITH CAFE-AU-LAIT SPOTS. Identifiers: MedGen C0553586, MONDO:0008672, OMIM 193520.
Neurofibromatosis, familial spinal (FSNF). Identifiers: Orphanet 636, MedGen C1834235, MONDO:0008078, OMIM 162210. Disease mechanism: loss of function.

Allele frequency attached by ClinVar (database versions not stated): gnomAD 0.00001; gnomAD exomes 0.00001; TOPMed 0.00002.
gnomAD v4.1: 4 of 1,605,050 alleles (0.00025%); highest among the groups gnomAD compares: East Asian, 0.0022%; no homozygotes.

Submissions (7):

Ambry Genetics
Classification: Uncertain significance for Cardiovascular phenotype; Hereditary cancer-predisposing syndrome. Last evaluated: 2025-03-29. Review status: criteria provided, single submitter. Criteria: Ambry Variant Classification Scheme 2023. Collection method: clinical testing. Allele origin: germline.
Comment: The c.3197+3A>G intronic variant results from an A to G substitution 3 nucleotides after coding exon 24 in the NF1 gene. This nucleotide position is well conserved on limited sequence alignment. In silico splice site analysis for this alteration is inconclusive; however, direct evidence is insufficient at this time (Ambry internal data). Since supporting evidence is limited at this time, the clinical significance of this alteration remains unclear.

Labcorp Genetics (formerly Invitae), Labcorp
Classification: Uncertain significance for Neurofibromatosis, type 1. Last evaluated: 2025-01-19. Review status: criteria provided, single submitter. Criteria: Invitae Variant Classification Sherloc (09022015). Collection method: clinical testing. Allele origin: germline.
Comment: This sequence change falls in intron 24 of the NF1 gene. It does not directly change the encoded amino acid sequence of the NF1 protein. It affects a nucleotide within the consensus splice site. This variant is not present in population databases (gnomAD no frequency). This variant has not been reported in the literature in individuals affected with NF1-related conditions. ClinVar contains an entry for this variant (Variation ID: 484108). Variants that disrupt the consensus splice site are a relatively common cause of aberrant splicing (PMID: 17576681, 9536098). Studies have shown that this variant is associated with inconclusive levels of altered splicing (internal data). In summary, the available evidence is currently insufficient to determine the role of this variant in disease. Therefore, it has been classified as a Variant of Uncertain Significance.

CeGaT Center for Human Genetics Tuebingen
Classification: Uncertain significance. Last evaluated: 2024-11-01. Review status: criteria provided, single submitter. Criteria: CeGaT Center For Human Genetics Tuebingen Variant Classification Criteria Version 2. Collection method: clinical testing. Allele origin: germline. Affected: yes. Observed: 1 variant allele.

Genome-Nilou Lab
Classification: Uncertain significance for Neurofibromatosis, type 1. Last evaluated: 2022-03-15. Review status: criteria provided, single submitter. Criteria: ACMG Guidelines, 2015. Collection method: clinical testing. Allele origin: germline. Affected: no.

Fulgent Genetics
Classification: Uncertain significance for Neurofibromatosis, type 1; Neurofibromatosis, familial spinal; Café-au-lait macules with pulmonary stenosis; Neurofibromatosis-Noonan syndrome; Juvenile myelomonocytic leukemia. Last evaluated: 2021-11-24. Review status: criteria provided, single submitter. Criteria: ACMG Guidelines, 2015. Collection method: clinical testing. Allele origin: unknown.

GeneDx
Classification: Uncertain significance. Last evaluated: 2020-07-24. Review status: criteria provided, single submitter. Criteria: GeneDx Variant Classification Process June 2021. Collection method: clinical testing. Allele origin: germline. Affected: yes.
Comment: Not observed in large population cohorts (Lek et al., 2016); In silico analysis supports a deleterious effect on splicing; Has not been previously published as pathogenic or benign to our knowledge

Juno Genomics, Hangzhou Juno Genomics, Inc
Classification: Uncertain significance for Neurofibromatosis, type 1; Juvenile myelomonocytic leukemia; Neurofibromatosis, familial spinal; Neurofibromatosis-Noonan syndrome; Café-au-lait macules with pulmonary stenosis. Review status: criteria provided, single submitter. Criteria: ACMG Guidelines, 2015. Collection method: clinical testing. Allele origin: germline.
Comment: Absent from controls (or at extremely low frequency if recessive) in Genome Aggregation Database.;Multiple lines of computational evidence support a deleterious effect on the gene or gene product.

Literature cited by the submitters: PubMed 17576681 (cited by Labcorp Genetics (formerly Invitae), Labcorp); PubMed 9536098 (cited by Labcorp Genetics (formerly Invitae), Labcorp).